The following is an entry in ClinVar:

NM_005359.6(SMAD4):c.1572G>A (p.Trp524Ter)

Gene: SMAD4 (SMAD family member 4; plus strand). Cytogenetic location: 18q21.2.
Variant type: single nucleotide variant.
Coding change: c.1572G>A on transcript NM_005359.6 (MANE Select); coding-DNA position 1572, G replaced by A.
Protein change: p.Trp524Ter; replaces tryptophan 524 with a stop codon.
Molecular consequence: nonsense.
Genome position (GRCh38, 1-based): chr18:51,078,380, G>A. VCF-style: chr18-51078380-G-A. GRCh37 (hg19) VCF-style: chr18-48604750-G-A.
Other names: short protein forms W524*.
Identifiers: ClinVar variation 570229 (VCV000570229.10), dbSNP rs1568211588, ClinGen allele CA402466060.

ClinVar aggregate classification (germline): Pathogenic (1 of 4 stars; one submission).

Conditions:
Juvenile polyposis syndrome (JPS). Identifiers: Orphanet 2929, MedGen C0345893, MONDO:0017380, OMIM 174900.

Submission:

Labcorp Genetics (formerly Invitae), Labcorp
Classification: Pathogenic for Juvenile polyposis syndrome. Last evaluated: 2025-12-08. Review status: criteria provided, single submitter. Criteria: Invitae Variant Classification Sherloc (09022015). Collection method: clinical testing. Allele origin: germline.
Comment: This sequence change creates a premature translational stop signal (p.Trp524*) in the SMAD4 gene. While this is not anticipated to result in nonsense mediated decay, it is expected to disrupt the last 29 amino acid(s) of the SMAD4 protein. This variant is not present in population databases (gnomAD no frequency). This variant has not been reported in the literature in individuals affected with SMAD4-related conditions. ClinVar contains an entry for this variant (Variation ID: 570229). This variant disrupts a region of the SMAD4 protein in which other variant(s) (p.Ala532Profs*5) have been determined to be pathogenic (PMID: 15031030). This suggests that this is a clinically significant region of the protein, and that variants that disrupt it are likely to be disease-causing. For these reasons, this variant has been classified as Pathogenic.

Literature cited by the submitters: PubMed 15031030.